The following is an entry in ClinVar:

ClinVar aggregate classification (germline): Likely pathogenic (1 of 4 stars; one submission).

Conditions:
Nemaline myopathy 2 (NEM2). Also called: Nemaline myopathy 2, autosomal recessive. Identifiers: MedGen C1850569, MONDO:0009725, OMIM 256030.

Submission:

Myriad Genetics, Inc.
Classification: Likely pathogenic for Nemaline myopathy 2. Last evaluated: 2022-03-22. Review status: criteria provided, single submitter. Criteria: Myriad Women's Health Autosomal Recessive and X-Linked Classification Criteria (2021). Collection method: clinical testing. Allele origin: unknown.
Comment: NM_001271208.1(NEB):c.632G>A(W211*) is expected to be pathogenic in the context of NEB-related nemaline myopathy. This variant is predicted to lead to an abnormal or absent protein product due to the creation of a premature termination codon in NEB, a gene where loss-of-function variants are known to be pathogenic. Please note: this variant was assessed in the context of healthy population screening.

NM_001164508.2(NEB):c.632G>A (p.Trp211Ter)

Gene: NEB (nebulin; minus strand). Cytogenetic location: 2q23.3.
Variant type: single nucleotide variant.
Coding change: c.632G>A on transcript NM_001164508.2 (MANE Select); coding-DNA position 632, G replaced by A.
Protein change: p.Trp211Ter; replaces tryptophan 211 with a stop codon.
Molecular consequence: nonsense.
Genome position (GRCh38, 1-based): chr2:151,723,467, C>T on the plus strand (G>A on the coding strand, the complement: NEB is on the minus strand). VCF-style: chr2-151723467-C-T. GRCh37 (hg19) VCF-style: chr2-152579981-C-T.
Other names: c.632G>A, p.Trp211Ter (NM_001164507.2, NM_001271208.2, NM_004543.5); short protein forms W211*.
Identifiers: ClinVar variation 1725448 (VCV001725448.2), dbSNP rs2552279142, ClinGen allele CA348791553.
Genomic context (GRCh38, chr2:151,723,467, plus strand): 5'-GCAACTCTCCTCAGTTCCGGGCTATCATTATAGGGGTAAAACAAACTTTTGTCTGCTTCC[C>T]AGTCTTCAGTGTACAGTTTCTAAATCAAAAAAGAGTGAAAAGTTAGGAGGAAGTAGGGTC-3'